The following is an entry in ClinVar:

ClinVar aggregate classification (germline): Uncertain significance (1 of 4 stars; one submission).

Allele frequency attached by ClinVar (database versions not stated): TOPMed below 0.00001.

Submission:

Labcorp Genetics (formerly Invitae), Labcorp
Classification: Uncertain significance. Last evaluated: 2022-03-09. Review status: criteria provided, single submitter. Criteria: Invitae Variant Classification Sherloc (09022015). Collection method: clinical testing. Allele origin: germline.
Comment: This variant has not been reported in the literature in individuals affected with CACNA1F-related conditions. This variant is not present in population databases (gnomAD no frequency). This sequence change replaces isoleucine, which is neutral and non-polar, with asparagine, which is neutral and polar, at codon 1557 of the CACNA1F protein (p.Ile1557Asn). Algorithms developed to predict the effect of missense changes on protein structure and function are either unavailable or do not agree on the potential impact of this missense change (SIFT: "Deleterious"; PolyPhen-2: "Benign"; Align-GVGD: "Class C65"). In summary, the available evidence is currently insufficient to determine the role of this variant in disease. Therefore, it has been classified as a Variant of Uncertain Significance.

NM_001256789.3(CACNA1F):c.4637T>A (p.Ile1546Asn)

Genes: CACNA1F (calcium voltage-gated channel subunit alpha1 F; minus strand), LOC126863257 (BRD4-independent group 4 enhancer GRCh37_chrX:49065732-49066931; plus strand). Cytogenetic location: Xp11.23.
Variant type: single nucleotide variant.
Coding change: c.4637T>A on transcript NM_001256789.3 (MANE Select); coding-DNA position 4637, T replaced by A.
Protein change: p.Ile1546Asn; replaces isoleucine 1546 with asparagine.
Molecular consequence: missense variant.
Genome position (GRCh38, 1-based): chrX:49,209,994, A>T on the plus strand (T>A on the coding strand, the complement: CACNA1F is on the minus strand). VCF-style: chrX-49209994-A-T. GRCh37 (hg19) VCF-style: chrX-49066454-A-T.
Other names: c.4475T>A, p.Ile1492Asn (NM_001256790.3); c.4670T>A, p.Ile1557Asn (NM_005183.4); short protein forms I1492N, I1546N, I1557N.
Identifiers: ClinVar variation 2071012 (VCV002071012.4), dbSNP rs2065640224, ClinGen allele CA412960560.